The following is an entry in ClinVar:

ClinVar aggregate classification (germline): Pathogenic. Review status: reviewed by expert panel (3 of 4 stars). 14 submissions from 14 submitters: Pathogenic (1). 13 of the submissions do not count toward it. Last evaluated 2025-01-07.

Conditions:
CAPN3-related disorder. Also called: CAPN3-related condition; CAPN3-related disorders. Identifiers: MedGen CN239245.
Muscular dystrophy, limb-girdle, autosomal dominant 4. Also called: Calpain-3-related limb-girdle muscular dystrophy D4; MUSCULAR DYSTROPHY, LIMB-GIRDLE, TYPE 1I. Identifiers: Orphanet 565909, MedGen C4748295, MONDO:0029133, OMIM 618129.
Autosomal recessive limb-girdle muscular dystrophy. Identifiers: Orphanet 102015, MedGen C2931907, MONDO:0015152.
Autosomal recessive limb-girdle muscular dystrophy type 2A (LGMDR1). Also called: Limb-girdle muscular dystrophy, type 2A; Calpainopathy; Muscular dystrophy, limb-girdle, type 2A, Amish; LEYDEN-MOEBIUS MUSCULAR DYSTROPHY; MUSCULAR DYSTROPHY, PELVOFEMORAL. Identifiers: Orphanet 267, MedGen C1869123, MONDO:0009675, OMIM 253600. Disease mechanism: loss of function.

Submissions (14):

ClinGen Limb Girdle Muscular Dystrophy Variant Curation Expert Panel, ClinGen
Classification: Pathogenic for Autosomal recessive limb-girdle muscular dystrophy. Last evaluated: 2025-01-07. Review status: reviewed by expert panel. Criteria: ClinGen LGMD VCEP ACMG Specifications CAPN3 V1.0.0. Collection method: curation. Allele origin: germline. Inheritance: Autosomal recessive inheritance.
Comment: The NM_000070.3: c.643_663del p.(Ser215_Gly221del) variant in CAPN3 is predicted to cause a change in the length of the protein due to an in-frame deletion of 7 amino acids in a non-repeat region (PM4). This variant has been detected in at least five individuals reported to have autosomal recessive LGMD (PMID: 18055493, 9150160, 22443334; ClinVar SCV000331951.4 internal data communication). In at least one case, the variant was identified in trans with a pathogenic variant (c.2362_2363delinsTCATCT p.(Arg788fsTer14), 1.0 pt, PMID: 9150160), and in at least three patients, the variant was homozygous (1.0 pt, PMID: 22443334, ClinVar SCV000331951.4 internal data communication) (PM3_Strong). At least one of these patients displayed progressive limb girdle muscle weakness and reduced calpain-3 protein expression, which is specific for CAPN3-related LGMD (PP4_Moderate; PMID: 22443334). The variant was also reported to co-segregate with autosomal recessive disease in one affected family member (PP1; PMID: 9150160). The filtering allele frequency of the c.643_663del variant in CAPN3 is 0.000080464 in the European (non-Finnish) population in gnomAD v2.1.1 (the upper threshold of the 95% CI of 4/113756 exome chromosomes), which is less than the ClinGen LGMD VCEP threshold (≤0.0001) (PM2_Supporting). In summary, this variant meets the criteria to be classified as Pathogenic for autosomal recessive limb girdle muscular dystrophy based on the ACMG/AMP criteria applied, as specified by the ClinGen LGMD VCEP (LGMD VCEP specifications version 1.0.0; 01/07/2025): PM4, PM3_Strong, PP4_Moderate, PP1, PM2_Supporting.

Labcorp Genetics (formerly Invitae), Labcorp
Classification: Pathogenic for Autosomal recessive limb-girdle muscular dystrophy type 2A. Last evaluated: 2026-01-25. Review status: criteria provided, single submitter. Criteria: Invitae Variant Classification Sherloc (09022015). Collection method: clinical testing. Allele origin: germline. Not counted in ClinVar's aggregate classification.
Comment: This variant, c.643_663del, results in the deletion of 7 amino acid(s) of the CAPN3 protein (p.Ser215_Gly221del), but otherwise preserves the integrity of the reading frame. This variant is present in population databases (rs772579407, gnomAD 0.004%). This variant has been observed in individuals with autosomal dominant and autosomal recessive limb-girdle muscular dystrophy (PMID: 18337726, 27259757, 28881388; internal data). It has also been observed to segregate with disease in related individuals. ClinVar contains an entry for this variant (Variation ID: 217159). For these reasons, this variant has been classified as Pathogenic.

GeneDx
Classification: Pathogenic. Last evaluated: 2025-09-23. Review status: criteria provided, single submitter. Criteria: GeneDx Variant Classification Process June 2021. Collection method: clinical testing. Allele origin: germline. Affected: yes. Not counted in ClinVar's aggregate classification.
Comment: Previously identified in the heterozygous state, without a second variant, in multiple individuals with variable features including muscle weakness/atrophy, hyperCKemia, myalgia, back pain, and reduced calpain protein on western blot analysis and muscle biopsy; however, comprehensive testing, including deletion/duplication analysis, was not completed for all patients and inheritance from an unaffected parent was noted (PMID: 28881388, 18337726, 27259757); In silico analysis supports a deleterious effect on protein structure/function; In-frame deletion of 7 amino acid(s) in a non-repeat region; Not observed at significant frequency in large population cohorts (gnomAD); This variant is associated with the following publications: (PMID: 19556129, 18055493, 10330340, 9150160, 18337726, 27259757, 28881388, 22443334)

Natera, Inc.
Classification: Pathogenic for Limb-girdle muscular dystrophy type 2A. Last evaluated: 2025-07-11. Review status: criteria provided, single submitter. Criteria: Natera Variant Classification Schema (03/2026). Collection method: clinical testing. Allele origin: germline. Not counted in ClinVar's aggregate classification.
Comment: The c.643_663delTCCTACGAAGCTCTGAAAGGT variant in CAPN3 is an in-frame deletion. This variant is rare in the general population with a frequency below the threshold expected for the associated phenotype(s). This variant has been observed in one or more individuals affected with the associated recessive disease, as either homozygous or compound heterozygous with a second variant (PMID: 22443334, 9150160, 19556129, 28602176). This variant has been observed in affected individual(s) with monoallelic occurrence (heterozygous/hemizygous) (PMID: 27259757). Additionally, this variant has been observed to segregate in affected family members (PMID: 9150160). This variant results in a change to the protein length while preserving reading frame, which may disrupt normal protein structure or function. Computational prediction algorithms indicate this variant is likely to affect gene or protein function. Given the available evidence, this variant is classified as Pathogenic.

Revvity Omics, Revvity
Classification: Pathogenic. Last evaluated: 2025-05-08. Review status: criteria provided, single submitter. Criteria: ACMG Guidelines, 2015. Collection method: clinical testing. Allele origin: germline. Not counted in ClinVar's aggregate classification.

Baylor Genetics
Classification: Pathogenic for Muscular dystrophy, limb-girdle, autosomal dominant 4. Last evaluated: 2024-02-26. Review status: criteria provided, single submitter. Criteria: ACMG Guidelines, 2015. Collection method: clinical testing. Allele origin: unknown. Not counted in ClinVar's aggregate classification.

Victorian Clinical Genetics Services, Murdoch Childrens Research Institute
Classification: Pathogenic for Muscular dystrophy, limb-girdle, autosomal dominant 4. Last evaluated: 2022-06-24. Review status: criteria provided, single submitter. Criteria: ACMG Guidelines, 2015. Collection method: clinical testing. Allele origin: germline. Inheritance: Autosomal dominant inheritance. Not counted in ClinVar's aggregate classification.
Comment: Based on the classification scheme VCGS_Germline_v1.3.4, this variant is classified as Pathogenic. Following criteria are met: 0103 - Dominant negative and loss of function are known mechanisms of disease in this gene and are associated with limb-girdle muscular dystrophy. Loss of function is a known disease mechanism associated with recessive limb-girdle muscular dystrophy whereas the dominant negative mechanism is suggested for the dominant form of disease associated with milder phenotypes and later age of onset (ClinVar, PMID: 27259757). (I) 0108 - This gene is associated with both recessive and dominant disease. It is predominantly reported as a recessive condition with the dominant condition reported with only a few missense variants and one in-frame deletion (PMID: 27259757, 28881388, 31066050). (I) 0213 - In-frame insertion/deletion in a non-repetitive region that has high conservation. (SP) 0251 - This variant is heterozygous. (I) 0302 - Variant is present in gnomAD (v2) <0.001 for a dominant condition (4 heterozygotes, 0 homozygotes). (SP) 0600 - Variant is located in the annotated peptidase_C2 domain (DECIPHER). (I) 0801 - This variant has strong previous evidence of pathogenicity in unrelated individuals. The variant has been previously reported in multiple patients with autosomal dominant limb-girdle muscular dystrophy (MIM#618129) (ClinVar, PMID: 27259757, 28881388). (SP) 1001 - This variant has strong functional evidence supporting abnormal protein function. Functional studies have shown that this variant causes a reduction in CAPN3 protein levels in muscle biopsies from affected individuals (PMID: 27259757). (SP) 1208 - Inheritance information for this variant is not currently available in this individual. (I) Legend: (SP) - Supporting pathogenic, (I) - Information, (SB) - Supporting benign

Blueprint Genetics
Classification: Pathogenic for CAPN3-related disorders. Last evaluated: 2022-03-04. Review status: criteria provided, single submitter. Criteria: ACMG Guidelines, 2015. Collection method: clinical testing. Allele origin: germline. Affected: yes. Observed: 3 variant alleles. Not counted in ClinVar's aggregate classification.

Mayo Clinic Laboratories, Mayo Clinic
Classification: Pathogenic. Last evaluated: 2020-04-29. Review status: criteria provided, single submitter. Criteria: ACMG Guidelines, 2015. Collection method: clinical testing. Allele origin: germline. Observed: 1 variant allele. Not counted in ClinVar's aggregate classification.
Comment: PS3, PS4_moderate, PM2, PM4, PP1

Eurofins Ntd Llc (ga)
Classification: Pathogenic. Last evaluated: 2018-03-30. Review status: criteria provided, single submitter. Criteria: EGL ClinVar v180209 classification definitions. Collection method: clinical testing. Allele origin: germline. Observed: 25 variant alleles, 24 heterozygotes, 1 homozygote. Not counted in ClinVar's aggregate classification.

Athena Diagnostics
Classification: Pathogenic. Last evaluated: 2016-05-27. Review status: criteria provided, single submitter. Criteria: Athena Diagnostics Criteria. Collection method: clinical testing. Allele origin: germline. Not counted in ClinVar's aggregate classification.

OMIM
Classification: Pathogenic for MUSCULAR DYSTROPHY, LIMB-GIRDLE, AUTOSOMAL DOMINANT 4. Last evaluated: 2018-09-26. Review status: no assertion criteria provided. Collection method: literature only. Allele origin: germline. Not counted in ClinVar's aggregate classification.

Counsyl
Classification: Likely pathogenic for Autosomal recessive limb-girdle muscular dystrophy type 2A. Last evaluated: 2017-09-28. Review status: no assertion criteria provided. Collection method: clinical testing. Allele origin: unknown. Not counted in ClinVar's aggregate classification.

GeneReviews
No classification provided. Condition: Autosomal recessive limb-girdle muscular dystrophy type 2A. Review status: no classification provided. Collection method: literature only. Allele origin: germline. Not counted in ClinVar's aggregate classification.
Comment: A single heterozygous in-frame c.643_663del21 pathogenic variant in CAPN3 results in a dominantly inherited form of calpainopathy [Vissing et al 2016]. Of note, this variant has been identified in compound heterozygosity with other pathogenic variants in CAPN3, including c.2362_2363delinsTCATCT, c.550delA, p.Ala45Thr, and p.Asp419Gly [Richard et al 1997, Groen et al 2007, Saenz & Lopez de Munain 2017]. Pathogenic variant most likely the result of a founder effect followed by genetic isolation in populations in Northern European countries including UK, Norway, Sweden, Denmark [Vissing et al 2016]

Literature cited by the submitters: PubMed 18337726 (cited by Labcorp Genetics (formerly Invitae), Labcorp); PubMed 27259757 (cited by 8 submitters); PubMed 28881388 (cited by 4 submitters); PubMed 22443334 (cited by 4 submitters); PubMed 9150160 (cited by 6 submitters); PubMed 19556129 (cited by Natera, Inc. and Counsyl); PubMed 28602176 (cited by 3 submitters); PubMed 31066050 (cited by Victorian Clinical Genetics Services, Murdoch Childrens Research Institute); PubMed 18055493 (cited by 5 submitters); PubMed 10330340 (cited by Athena Diagnostics); PubMed 27818383 (cited by GeneReviews).

NM_000070.2(CAPN3):c.643_663del(p.Ser215_Gly221del)

Gene: CAPN3 (calpain 3; plus strand). Cytogenetic location: 15q15.1.
Variant type: Deletion.
Coding change: c.643_663del(p.Ser215_Gly221del) on transcript NM_000070.2; coding-DNA positions 643 to 663, 21 bases deleted (TCCTACGAAGCTCTGAAAGGT).
Molecular consequence: inframe deletion (on NM_000070.3).
Genome position (GRCh38, 1-based): chr15:42,388,938-42,388,958, TCCTACGAAGCTCTGAAAGGT deleted; deleting any 21 consecutive bases within chr15:42,388,935-42,388,958 gives the same sequence; the c. name uses the placement nearest the transcript's 3' end. VCF-style (leftmost placement, unchanged base first): chr15-42388934-TGGTTCCTACGAAGCTCTGAAA-T. GRCh37 (hg19) VCF-style: chr15-42681132-TGGTTCCTACGAAGCTCTGAAA-T.
Other names: c.643_663del, p.Ser215_Gly221del (NM_000070.3, NM_024344.2, NM_173087.2).
Identifiers: ClinVar variation 217159 (VCV000217159.37), dbSNP rs863224965, ClinGen allele CA347563.